The following is an entry in ClinVar:

ClinVar aggregate classification (germline): Uncertain significance (1 of 4 stars; one submission).

Submission:

Dasa
Classification: Uncertain significance. Last evaluated: 2024-12-02. Review status: criteria provided, single submitter. Criteria: DASA Assertion Criteria. Collection method: clinical testing. Allele origin: germline.
Comment: NM_001368397.1(FRMPD4):c.3944C>T (p.Pro1315Leu) is a missense variant that results in the substitution of proline with leucine. This variant is absent from population databases. Computational prediction algorithms are consistent with a benign effect. The currently available literature and clinical evidence are not sufficient to establish a definitive association between this variant and the reported condition. Therefore, this variant is classified as a variant of uncertain significance.

NM_001368397.1(FRMPD4):c.3944C>T (p.Pro1315Leu)

Gene: FRMPD4 (FERM and PDZ domain containing 4; plus strand). Cytogenetic location: Xp22.2.
Variant type: single nucleotide variant.
Coding change: c.3944C>T on transcript NM_001368397.1 (MANE Select); coding-DNA position 3944, C replaced by T.
Protein change: p.Pro1315Leu; replaces proline 1315 with leucine.
Molecular consequence: missense variant.
Genome position (GRCh38, 1-based): chrX:12,718,770, C>T. VCF-style: chrX-12718770-C-T. GRCh37 (hg19) VCF-style: chrX-12736889-C-T.
Other names: c.4055C>T, p.Pro1352Leu (NM_001368395.3, NM_001368398.3); c.3950C>T, p.Pro1317Leu (NM_001368396.3); c.3935C>T, p.Pro1312Leu (NM_001368399.3); c.3824C>T, p.Pro1275Leu (NM_001368400.3); c.3920C>T, p.Pro1307Leu (NM_001368401.1, NM_001368402.3); c.3944C>T, p.Pro1315Leu (NM_014728.3); short protein forms P1275L, P1307L, P1312L, P1315L, P1317L, P1352L.
Identifiers: ClinVar variation 4882322 (VCV004882322.2).